The following is an entry in ClinVar:

ClinVar aggregate classification (germline): Uncertain significance. Review status: criteria provided, multiple submitters, no conflicts (2 of 4 stars). 9 submissions from 7 submitters: Uncertain significance (9). Last evaluated 2026-06-29.

Conditions:
NPHP1-related disorder. Also called: NPHP1-related disorders; NPHP1-related condition.
Joubert syndrome with renal defect. Also called: JOUBERT SYNDROME 4. Identifiers: Orphanet 220497, MedGen C1846790, MONDO:0012308, OMIM 609583.
Nephronophthisis 1 (NPHP1). Also called: Nephronophthisis familial juvenile. Identifiers: Orphanet 655, Orphanet 93592, MedGen C1855681, MONDO:0009728, OMIM 256100.
Senior-Loken syndrome 1 (SLSN1). Also called: JUVENILE NEPHRONOPHTHISIS WITH LEBER AMAUROSIS. Identifiers: Orphanet 3156, MedGen C4551559, MONDO:0009962, OMIM 266900.
Nephronophthisis. Also called: Juvenile Nephronophthisis. Identifiers: Orphanet 655, MedGen C0687120, MONDO:0019005, HP:0000090.

Allele frequency attached by ClinVar (database versions not stated): TOPMed 0.00008; ESP Exome Variant Server 0.00031.
gnomAD v4.1: 106 of 1,582,468 alleles (0.0067%); highest among the groups gnomAD compares: South Asian, 0.013%; no homozygotes.

Submissions (9):

PreventionGenetics, part of Exact Sciences
Classification: Uncertain significance for NPHP1-related condition. Last evaluated: 2026-06-29. Review status: criteria provided, single submitter. Criteria: ACMG Guidelines, 2015. Collection method: clinical testing. Allele origin: germline.
Comment: The NPHP1 c.1333C>T variant is predicted to result in the amino acid substitution p.Arg445Cys. To our knowledge, this variant has not been reported in the literature. This variant is reported in 0.020% of alleles in individuals of South Asian descent in gnomAD. At this time, the clinical significance of this variant is uncertain due to the absence of conclusive functional and genetic evidence.

GeneDx
Classification: Uncertain significance. Last evaluated: 2024-07-02. Review status: criteria provided, single submitter. Criteria: GeneDx Variant Classification Process June 2021. Collection method: clinical testing. Allele origin: germline. Affected: yes.
Comment: Reported in a patient with neurological symptoms of an NPHP1-related disease in published literature (PMID: 37296294); In silico analysis indicates that this missense variant does not alter protein structure/function; This variant is associated with the following publications: (PMID: 37296294)

Fulgent Genetics
Classification: Uncertain significance for Nephronophthisis 1; Senior-Loken syndrome 1; Joubert syndrome with renal defect. Last evaluated: 2024-02-23. Review status: criteria provided, single submitter. Criteria: ACMG Guidelines, 2015. Collection method: clinical testing. Allele origin: germline.

Blueprint Genetics
Classification: Uncertain significance. Last evaluated: 2023-05-26. Review status: criteria provided, single submitter. Criteria: ACMG Guidelines, 2015. Collection method: clinical testing. Allele origin: germline.

Labcorp Genetics (formerly Invitae), Labcorp
Classification: Uncertain significance for Nephronophthisis. Last evaluated: 2022-10-13. Review status: criteria provided, single submitter. Criteria: Invitae Variant Classification Sherloc (09022015). Collection method: clinical testing. Allele origin: germline.
Comment: This sequence change replaces arginine, which is basic and polar, with cysteine, which is neutral and slightly polar, at codon 445 of the NPHP1 protein (p.Arg445Cys). This variant is present in population databases (rs375907280, gnomAD 0.02%). This variant has not been reported in the literature in individuals affected with NPHP1-related conditions. ClinVar contains an entry for this variant (Variation ID: 330732). Advanced modeling of protein sequence and biophysical properties (such as structural, functional, and spatial information, amino acid conservation, physicochemical variation, residue mobility, and thermodynamic stability) performed at Invitae indicates that this missense variant is not expected to disrupt NPHP1 protein function. In summary, the available evidence is currently insufficient to determine the role of this variant in disease. Therefore, it has been classified as a Variant of Uncertain Significance.

Illumina Laboratory Services, Illumina
Classification: Uncertain significance for Joubert syndrome with renal defect. Last evaluated: 2018-01-12. Review status: criteria provided, single submitter. Criteria: ICSL Variant Classification Criteria 13 December 2019. Collection method: clinical testing. Allele origin: germline.

Illumina Laboratory Services, Illumina
Classification: Uncertain significance for Senior-Loken syndrome 1. Last evaluated: 2018-01-12. Review status: criteria provided, single submitter. Criteria: ICSL Variant Classification Criteria 13 December 2019. Collection method: clinical testing. Allele origin: germline.

Illumina Laboratory Services, Illumina
Classification: Uncertain significance for Nephronophthisis 1. Last evaluated: 2018-01-12. Review status: criteria provided, single submitter. Criteria: ICSL Variant Classification Criteria 13 December 2019. Collection method: clinical testing. Allele origin: germline.

Eurofins Ntd Llc (ga)
Classification: Uncertain significance. Last evaluated: 2017-10-06. Review status: criteria provided, single submitter. Criteria: EGL Classification Definitions 2015. Collection method: clinical testing. Allele origin: germline. Observed: 1 variant allele, 1 heterozygote.

NM_001128178.3(NPHP1):c.1165C>T (p.Arg389Cys)

Gene: NPHP1 (nephrocystin 1; minus strand). Cytogenetic location: 2q13.
Variant type: single nucleotide variant.
Coding change: c.1165C>T on transcript NM_001128178.3 (MANE Select); coding-DNA position 1165, C replaced by T.
Protein change: p.Arg389Cys; replaces arginine 389 with cysteine.
Molecular consequence: missense variant.
Genome position (GRCh38, 1-based): chr2:110,148,020, G>A on the plus strand (C>T on the coding strand, the complement: NPHP1 is on the minus strand). VCF-style: chr2-110148020-G-A. GRCh37 (hg19) VCF-style: chr2-110905597-G-A.
Other names: c.1333C>T, p.Arg445Cys (NM_000272.5); c.976C>T, p.Arg326Cys (NM_001128179.3); c.1162C>T, p.Arg388Cys (NM_001374256.1); c.1165C>T, p.Arg389Cys (NM_001374257.1); c.1330C>T, p.Arg444Cys (NM_207181.4); short protein forms R445C, R326C, R389C, R444C, R388C.
Identifiers: ClinVar variation 330732 (VCV000330732.20), dbSNP rs375907280, ClinGen allele CA1827100.